The following is an entry in ClinVar:

NM_017671.5(FERMT1):c.1718+2T>C

Gene: FERMT1 (FERM domain containing kindlin 1; minus strand). Cytogenetic location: 20p12.3.
Variant type: single nucleotide variant.
Coding change: c.1718+2T>C on transcript NM_017671.5 (MANE Select); the canonical splice donor site of the intron after coding-DNA position 1718, T replaced by C.
Molecular consequence: splice donor variant.
Genome position (GRCh38, 1-based): chr20:6,084,038, A>G on the plus strand (T>C on the coding strand, the complement: FERMT1 is on the minus strand). VCF-style: chr20-6084038-A-G. GRCh37 (hg19) VCF-style: chr20-6064685-A-G.
Other names: c.[1718+2T>C] (NM_017671.4).
Identifiers: ClinVar variation 1333530 (VCV001333530.10), dbSNP rs760256639, ClinGen allele CA9758058.
Genomic context (GRCh38, chr20:6,084,038, plus strand): 5'-CTCCCCAAAAGCCACTTAAAATTGAATGGAAAGTGTGAGAAACAAGTGAACATTGTAATC[A>G]CCTGACAAGGTAGTAGGTGAGGCCAAACTCAGGCAGTGACTGCCACGCCTGGATGAACCG-3'

ClinVar aggregate classification (germline): Conflicting classifications of pathogenicity. Review status: criteria provided, conflicting classifications (1 of 4 stars). 4 submissions from 4 submitters: Pathogenic (2); Likely pathogenic (1); Uncertain significance (1). Last evaluated 2024-12-30.

Conditions:
Kindler syndrome (KNDLRS). Also called: POIKILODERMA, CONGENITAL, WITH BULLAE, WEARY TYPE; POIKILODERMA, HEREDITARY ACROKERATOTIC; BULLOUS ACROKERATOTIC POIKILODERMA OF KINDLER AND WEARY; Poikiloderma of Kindler; Congenital bullous poikiloderma; Kindler's syndrome. Identifiers: Orphanet 2908, Orphanet 306539, MedGen C0406557, MONDO:0008260, OMIM 173650.

Allele frequency attached by ClinVar (database versions not stated): TOPMed below 0.00001; gnomAD exomes 0.00001 and 0.00002; ExAC 0.00003.
gnomAD v4.1: 15 of 1,614,188 alleles (0.00093%); highest among the groups gnomAD compares: South Asian, 0.015%; no homozygotes.

Submissions (4):

Foundation for Research in Genetics and Endocrinology, FRIGE's Institute of Human Genetics
Classification: Likely pathogenic for Kindler syndrome. Last evaluated: 2024-12-30. Review status: criteria provided, single submitter. Criteria: ACMG Guidelines, 2015. Collection method: clinical testing. Allele origin: germline. Inheritance: Autosomal recessive inheritance. Affected: yes. Observed: 1 homozygote.
Comment: A homozygous variation in intron 13 of the FERMT1 gene that has not been reported in the 1000 genomes and has a minor allele frequency of 0.001% in gnomAD database. The in silico prediction of the variant is damaging by MutationTaster2, FATHMM and DANN with a CADD score of 33.00. In summary, the variant meets our criteria to be classified as likely pathogenic.

Labcorp Genetics (formerly Invitae), Labcorp
Classification: Pathogenic. Last evaluated: 2022-02-03. Review status: criteria provided, single submitter. Criteria: Invitae Variant Classification Sherloc (09022015). Collection method: clinical testing. Allele origin: germline.
Comment: Algorithms developed to predict the effect of sequence changes on RNA splicing suggest that this variant may disrupt the consensus splice site. For these reasons, this variant has been classified as Pathogenic. ClinVar contains an entry for this variant (Variation ID: 1333530). Disruption of this splice site has been observed in individual(s) with Kindler syndrome (PMID: 29130490, 29453417). In at least one individual the data is consistent with being in trans (on the opposite chromosome) from a pathogenic variant. This variant is present in population databases (rs760256639, gnomAD 0.02%). This sequence change affects a donor splice site in intron 13 of the FERMT1 gene. It is expected to disrupt RNA splicing. Variants that disrupt the donor or acceptor splice site typically lead to a loss of protein function (PMID: 16199547), and loss-of-function variants in FERMT1 are known to be pathogenic (PMID: 14962093, 21936020).

3billion
Classification: Pathogenic for Kindler syndrome. Last evaluated: 2022-01-03. Review status: criteria provided, single submitter. Criteria: ACMG Guidelines, 2015. Collection method: clinical testing. Allele origin: germline. Affected: yes. Observed: 1 homozygote.
Comment: Canonical splice site: predicted to alter splicing and result in a loss or disruption of normal protein function through protein truncation. Multiple pathogenic variants are reported in the predicted truncated region (PVS1_VS). It is observed at an extremely low frequency in the gnomAD v2.1.1 dataset (total allele frequency: 0.000024, PM2_M). Patient's phenotype is considered compatible with Kindler syndrome (PP4_P). Therefore, this variant is classified as pathogenic according to the recommendation of ACMG/AMP guideline.

Neuberg Centre For Genomic Medicine, NCGM
Classification: Uncertain significance for Kindler syndrome. Review status: criteria provided, single submitter. Criteria: ACMG Guidelines, 2015. Collection method: clinical testing. Allele origin: germline. Affected: yes.
Comment: The splice donor variant c.1718+2T>C in FERMT1 (NM_017671.4) has not been reported previously as a pathogenic variant nor as a benign variant, to our knowledge. The c.1718+2T>C variant is observed in 6/30,596 (0.0196%) alleles from individuals of South Asian background in gnomAD Exomes and is novel (not in any individuals) in 1000 Genomes. This variant mutates a splice-donor sequence. In silico tools predict a damaging effect. Since the variant is present in the penultimate exon it is classified as Variant of Uncertain Significance.

Literature cited by the submitters: PubMed 29130490 (cited by Labcorp Genetics (formerly Invitae), Labcorp); PubMed 29453417 (cited by Labcorp Genetics (formerly Invitae), Labcorp); PubMed 16199547 (cited by Labcorp Genetics (formerly Invitae), Labcorp); PubMed 14962093 (cited by Labcorp Genetics (formerly Invitae), Labcorp); PubMed 21936020 (cited by Labcorp Genetics (formerly Invitae), Labcorp).